The following is an entry in ClinVar:

ClinVar aggregate classification (germline): Pathogenic. Review status: criteria provided, multiple submitters, no conflicts (2 of 4 stars). 2 submissions from 2 submitters: Pathogenic (2). Last evaluated 2025-06-11.

Conditions:
Hereditary cancer-predisposing syndrome. Also called: Neoplastic Syndromes, Hereditary; Hereditary neoplastic syndrome; Hereditary Cancer Syndrome; Tumor predisposition. Identifiers: Orphanet 140162, MedGen C0027672, MeSH D009386, MONDO:0015356.
Multiple endocrine neoplasia, type 1 (MEN1). Also called: MEA I; MEN I; WERMER SYNDROME; Endocrine adenomatosis multiple; MEN 1. Identifiers: Orphanet 652, MedGen C0025267, MeSH D018761, MONDO:0007540, OMIM 131100.

Submissions (2):

Ambry Genetics
Classification: Pathogenic for Hereditary cancer-predisposing syndrome. Last evaluated: 2025-06-11. Review status: criteria provided, single submitter. Criteria: Ambry Variant Classification Scheme 2023. Collection method: clinical testing. Allele origin: germline.
Comment: The c.332delG pathogenic mutation, located in coding exon 1 of the MEN1 gene, results from a deletion of one nucleotide at nucleotide position 332, causing a translational frameshift with a predicted alternate stop codon (p.G111Vfs*8). This variant was reported in individual(s) with features consistent with multiple endocrine neoplasia type 1 (Ambry internal data). This variant is considered to be rare based on population cohorts in the Genome Aggregation Database (gnomAD). This alteration is expected to result in loss of function by premature protein truncation or nonsense-mediated mRNA decay. As such, this alteration is interpreted as a disease-causing mutation.

Labcorp Genetics (formerly Invitae), Labcorp
Classification: Pathogenic for Multiple endocrine neoplasia, type 1. Last evaluated: 2022-08-20. Review status: criteria provided, single submitter. Criteria: Invitae Variant Classification Sherloc (09022015). Collection method: clinical testing. Allele origin: germline.
Comment: For these reasons, this variant has been classified as Pathogenic. This premature translational stop signal has been observed in individual(s) with clinical features of MEN1-related conditions (PMID: 29848728). This variant is not present in population databases (gnomAD no frequency). This sequence change creates a premature translational stop signal (p.Gly111Valfs*8) in the MEN1 gene. It is expected to result in an absent or disrupted protein product. Loss-of-function variants in MEN1 are known to be pathogenic (PMID: 12112656, 17853334).

Literature cited by the submitters: PubMed 29848728 (cited by Labcorp Genetics (formerly Invitae), Labcorp); PubMed 12112656 (cited by Labcorp Genetics (formerly Invitae), Labcorp); PubMed 17853334 (cited by Labcorp Genetics (formerly Invitae), Labcorp).

NM_001370259.2(MEN1):c.332del (p.Gly111fs)

Gene: MEN1 (menin 1; minus strand). Cytogenetic location: 11q13.1.
Variant type: Deletion.
Coding change: c.332del on transcript NM_001370259.2 (MANE Select); coding-DNA position 332, one base deleted (G; older notation c.332delG).
Protein change: p.Gly111fs; shifts the reading frame from glycine 111.
Molecular consequence: frameshift variant.
Genome position (GRCh38, 1-based): chr11:64,809,778, C deleted on the plus strand (G on the coding strand, the reverse complement: MEN1 is on the minus strand); the first of 5 consecutive C bases (chr11:64,809,778-64,809,782); deleting any one gives the same sequence. VCF-style (leftmost placement, unchanged base first): chr11-64809777-AC-A. GRCh37 (hg19) VCF-style: chr11-64577249-AC-A.
Other names: c.332del, p.Gly111fs (NM_000244.4, NM_001370251.2, NM_001370260.2 and 9 more transcripts); c.328delG, p.Gly111Valfs (NM_001407142.1, NM_001407143.1, NM_001407144.1 and 8 more transcripts); c.332delG (NM_130799.2); short protein forms G111fs.
Identifiers: ClinVar variation 2169556 (VCV002169556.5), dbSNP rs1555166435, ClinGen allele CA2580084415.